The following is an entry in ClinVar:

ClinVar aggregate classification (germline): Uncertain significance (1 of 4 stars; one submission).

Conditions:
Retinoblastoma (RB1). Also called: RETINOBLASTOMA, SOMATIC. Identifiers: Orphanet 790, MedGen C0035335, MeSH D012175, MONDO:0008380, OMIM 180200, HP:0009919. Disease mechanism: loss of function. Inheritance: Both sporadic and heritable forms are tested..

Allele frequency attached by ClinVar (database versions not stated): ExAC 0.00002.

Submission:

All of Us Research Program, National Institutes of Health
Classification: Uncertain significance for Retinoblastoma. Last evaluated: 2023-06-08. Review status: criteria provided, single submitter. Criteria: ACMG Guidelines, 2015. Collection method: clinical testing. Allele origin: germline. Inheritance: Autosomal dominant inheritance. Observed: 1 variant allele, 1 heterozygote.
Comment: This variant causes a T to G nucleotide substitution at the -12 position of intron 15 of the RB1 gene. To our knowledge, functional studies have not been reported for this variant. This variant has not been reported in individuals affected with RB1-related disorders in the literature. This variant has been identified in 1/193088 chromosomes in the general population by the Genome Aggregation Database (gnomAD). The available evidence is insufficient to determine the role of this variant in disease conclusively. Therefore, this variant is classified as a Variant of Uncertain Significance.

This study involves interpretation of variants in research participants for the purpose of population health screening. Participant phenotype was not available at the time of variant classification. Additional details can be found in publication PMID: 35346344, PMCID: PMC8962531

NM_000321.3(RB1):c.1422-12T>G

Gene: RB1 (RB transcriptional corepressor 1; plus strand). Cytogenetic location: 13q14.2.
Variant type: single nucleotide variant.
Coding change: c.1422-12T>G on transcript NM_000321.3 (MANE Select); 12 bases into the intron before coding-DNA position 1422, T replaced by G.
Molecular consequence: intron variant.
Genome position (GRCh38, 1-based): chr13:48,380,153, T>G. VCF-style: chr13-48380153-T-G. GRCh37 (hg19) VCF-style: chr13-48954289-T-G.
Other names: c.1422-12T>G (NM_001407165.1, NM_001407166.1).
Identifiers: ClinVar variation 3071544 (VCV003071544.1), dbSNP rs768133913, ClinGen allele CA028762.
Genomic context (GRCh38, chr13:48,380,153, plus strand): 5'-TTTACTTTTAGTAAAAAATTTTTTTCTTTTTATAGAAGTAAGTATTTTATAATCTTTTTT[T>G]TTTTCCTTTAGCAAACTTCTGAATGACAACATTTTTCATATGTCTTTATTGGCGTGCGCT-3'